The following is an entry in ClinVar:

ClinVar aggregate classification (germline): Uncertain significance (1 of 4 stars; one submission).

Conditions:
Tatton-Brown-Rahman overgrowth syndrome. Also called: Tall stature-intellectual disability-facial dysmorphism syndrome; Tatton-Brown-Rahman syndrome. Identifiers: Orphanet 404443, MedGen C4014545, MONDO:0014382, OMIM 615879.

Allele frequency attached by ClinVar (database versions not stated): gnomAD exomes below 0.00001; gnomAD 0.00001.
gnomAD v4.1: 3 of 1,583,892 alleles (0.00019%); highest among the groups gnomAD compares: Non-Finnish European, 0.00026%; no homozygotes.

Submission:

Victorian Clinical Genetics Services, Murdoch Childrens Research Institute
Classification: Uncertain significance for Tatton-Brown-Rahman overgrowth syndrome. Last evaluated: 2022-02-02. Review status: criteria provided, single submitter. Criteria: ACMG Guidelines, 2015. Collection method: clinical testing. Allele origin: germline. Inheritance: Autosomal dominant inheritance.
Comment: Based on the classification scheme VCGS_Germline_v1.3.4, this variant is classified as VUS-3C. Following criteria are met: 0103 - Loss of function and gain of function are known mechanisms of disease in this gene and are associated with disease. Loss of function has been associated with Tatton-Brown-Rahman syndrome (MIM#615879) while gain of function has been associated with Heyn-Sproul-Jackson syndrome (MIM#618724) and demonstrated for two missense variants (PMID: 30478443). (I) 0107 - This gene is associated with autosomal dominant disease. (I) 0200 - Variant is predicted to result in a missense amino acid change from lysine to glutamic acid. (I) 0251 - This variant is heterozygous. (I) 0302 - Variant is present in gnomAD (v2) <0.001 for a dominant condition (1 heterozygote, 0 homozygotes). (SP) 0309 - An in-frame deletion of the same residue has been observed in gnomAD (v2) (2 heterozygotes, 0 homozygotes). (I) 0502 - Missense variant with conflicting in silico predictions and uninformative conservation. (I) 0604 - Variant is not located in an established domain, motif, hotspot or informative constraint region. (I) 0705 - No comparable missense variants have previous evidence for pathogenicity. (I) 0807 - This variant has no previous evidence of pathogenicity. (I) 0905 - No published segregation evidence has been identified for this variant. (I) 1007 - No published functional evidence has been identified for this variant. (I) Legend: (SP) - Supporting pathogenic, (I) - Information, (SB) - Supporting benign

Literature cited by the submitters: PubMed 30478443.

NM_022552.5(DNMT3A):c.460A>G (p.Lys154Glu)

Genes: DNMT3A (DNA methyltransferase 3 alpha; minus strand), LOC129933290 (ATAC-STARR-seq lymphoblastoid active region 15445; plus strand). Cytogenetic location: 2p23.3.
Variant type: single nucleotide variant.
Coding change: c.460A>G on transcript NM_022552.5 (MANE Select); coding-DNA position 460, A replaced by G.
Protein change: p.Lys154Glu; replaces lysine 154 with glutamic acid.
Molecular consequence: missense variant. On other transcripts: non-coding transcript variant (1).
Genome position (GRCh38, 1-based): chr2:25,275,532, T>C on the plus strand (A>G on the coding strand, the complement: DNMT3A is on the minus strand). VCF-style: chr2-25275532-T-C. GRCh37 (hg19) VCF-style: chr2-25498401-T-C.
Other names: c.460A>G, p.Lys154Glu (NM_175629.2); short protein forms K154E.
Identifiers: ClinVar variation 1805187 (VCV001805187.1), dbSNP rs1388356560, ClinGen allele CA346083268.